The following is an entry in ClinVar:

ClinVar aggregate classification (germline): Uncertain significance. Review status: criteria provided, multiple submitters, no conflicts (2 of 4 stars). 2 submissions from 2 submitters: Uncertain significance (2). Last evaluated 2022-10-06.

Conditions:
Inborn genetic diseases. Identifiers: MedGen C0950123, MeSH D030342.
Carnitine palmitoyl transferase 1A deficiency. Also called: Carnitine palmitoyltransferase 1A deficiency; Carnitine palmitoyltransferase type I deficiency; CPT I DEFICIENCY; CPT DEFICIENCY, HEPATIC, TYPE I; CPT deficiency, hepatic, type IA. Identifiers: Orphanet 156, MedGen C1829703, MONDO:0009705, OMIM 255120.

gnomAD v4.1: 17 of 1,614,110 alleles (0.0011%); highest among the groups gnomAD compares: Admixed American, 0.0017%; no homozygotes.

Submissions (2):

Ambry Genetics
Classification: Uncertain significance for Inborn genetic diseases. Last evaluated: 2022-10-06. Review status: criteria provided, single submitter. Criteria: Ambry Variant Classification Scheme 2023. Collection method: clinical testing. Allele origin: germline.

Labcorp Genetics (formerly Invitae), Labcorp
Classification: Uncertain significance for Carnitine palmitoyl transferase 1A deficiency. Last evaluated: 2022-04-30. Review status: criteria provided, single submitter. Criteria: Invitae Variant Classification Sherloc (09022015). Collection method: clinical testing. Allele origin: germline.
Comment: This sequence change replaces arginine, which is basic and polar, with cysteine, which is neutral and slightly polar, at codon 401 of the CPT1A protein (p.Arg401Cys). This variant is present in population databases (rs754110528, gnomAD 0.003%). This variant has not been reported in the literature in individuals affected with CPT1A-related conditions. Algorithms developed to predict the effect of missense changes on protein structure and function (SIFT, PolyPhen-2, Align-GVGD) all suggest that this variant is likely to be tolerated. In summary, the available evidence is currently insufficient to determine the role of this variant in disease. Therefore, it has been classified as a Variant of Uncertain Significance.

NM_001876.4(CPT1A):c.1201C>T (p.Arg401Cys)

Genes: CPT1A (carnitine palmitoyltransferase 1A; minus strand), LOC126861244 (BRD4-independent group 4 enhancer GRCh37_chr11:68549035-68550234; plus strand). Cytogenetic location: 11q13.3.
Variant type: single nucleotide variant.
Coding change: c.1201C>T on transcript NM_001876.4 (MANE Select); coding-DNA position 1201, C replaced by T.
Protein change: p.Arg401Cys; replaces arginine 401 with cysteine.
Molecular consequence: missense variant.
Genome position (GRCh38, 1-based): chr11:68,781,922, G>A on the plus strand (C>T on the coding strand, the complement: CPT1A is on the minus strand). VCF-style: chr11-68781922-G-A. GRCh37 (hg19) VCF-style: chr11-68549390-G-A.
Other names: c.1201C>T, p.Arg401Cys (NM_001031847.3); c.1201C>T (NM_001876.3); short protein forms R401C.
Identifiers: ClinVar variation 2187649 (VCV002187649.2), dbSNP rs754110528, ClinGen allele CA223374277.
Genomic context (GRCh38, chr11:68,781,922, plus strand): 5'-CTAACGTCACAAAGAACGCTGCTTTCTCCACAGCATCAAGAGACTGCTTATTTTTCCCAC[G>A]TCCAAAATAGGCCTGACGACACCTGGCCCAGGGAACTCTGCAGTGAAGATGAAATACGAT-3'
Protein context (NP_001867.2, residues 391-411): WARCRQAYFG[Arg401Cys]GKNKQSLDAV